The following is an entry in ClinVar:

ClinVar aggregate classification (germline): Pathogenic (1 of 4 stars; one submission).

Conditions:
Cardiovascular phenotype. Identifiers: MedGen CN230736.
Hereditary cancer-predisposing syndrome. Also called: Neoplastic Syndromes, Hereditary; Tumor predisposition; Hereditary Cancer Syndrome; Hereditary neoplastic syndrome. Identifiers: Orphanet 140162, MedGen C0027672, MeSH D009386, MONDO:0015356.

Submission:

Ambry Genetics
Classification: Pathogenic for Cardiovascular phenotype; Hereditary cancer-predisposing syndrome. Last evaluated: 2025-10-07. Review status: criteria provided, single submitter. Criteria: Ambry Variant Classification Scheme 2023. Collection method: clinical testing. Allele origin: germline.
Comment: The c.7941delG pathogenic mutation, located in coding exon 54 of the NF1 gene, results from a deletion of one nucleotide at nucleotide position 7941, causing a translational frameshift with a predicted alternate stop codon (p.L2648Yfs*10). This variant was reported in individual(s) with features consistent with neurofibromatosis type 1 (Ambry internal data). This variant is considered to be rare based on population cohorts in the Genome Aggregation Database (gnomAD). This alteration is expected to result in loss of function by premature protein truncation or nonsense-mediated mRNA decay. As such, this alteration is interpreted as a disease-causing mutation.

NM_001042492.3(NF1):c.8004del (p.Leu2669fs)

Gene: NF1 (neurofibromin 1; plus strand). Cytogenetic location: 17q11.2.
Variant type: Deletion.
Coding change: c.8004del on transcript NM_001042492.3 (MANE Select); coding-DNA position 8004, one base deleted (G; older notation c.8004delG).
Protein change: p.Leu2669fs; shifts the reading frame from leucine 2669.
Molecular consequence: frameshift variant.
Genome position (GRCh38, 1-based): chr17:31,358,513, G deleted. VCF-style (leftmost placement, unchanged base first): chr17-31358512-TG-T. GRCh37 (hg19) VCF-style: chr17-29685530-TG-T.
Other names: c.7941del, p.Leu2648fs (NM_000267.4); short protein forms L2669fs, L2648fs.
Identifiers: ClinVar variation 4615747 (VCV004615747.1).